The following is an entry in ClinVar:

NM_032444.4(SLX4):c.4586A>G (p.Gln1529Arg)

Gene: SLX4 (SLX4 structure-specific endonuclease subunit; minus strand). Cytogenetic location: 16p13.3.
Variant type: single nucleotide variant.
Coding change: c.4586A>G on transcript NM_032444.4 (MANE Select); coding-DNA position 4586, A replaced by G.
Protein change: p.Gln1529Arg; replaces glutamine 1529 with arginine.
Molecular consequence: missense variant.
Genome position (GRCh38, 1-based): chr16:3,589,052, T>C on the plus strand (A>G on the coding strand, the complement: SLX4 is on the minus strand). VCF-style: chr16-3589052-T-C. GRCh37 (hg19) VCF-style: chr16-3639053-T-C.
Other names: short protein forms Q1529R.
Identifiers: ClinVar variation 1405767 (VCV001405767.6), dbSNP rs2151120875, ClinGen allele CA394516833.
Genomic context (GRCh38, chr16:3,589,052, plus strand): 5'-GGCTACTCACTGGGTGTCTCTAACCCTTCGGGCTTCTGAGCTCCACCAGCGCTTGGCATC[T>C]GGGCCGGAGGAGGGGTCTCTGGAGGCCTCTGCTCTTCCCCGTCCCAAACGTCCCACAGAG-3'
Protein context (NP_115820.2, residues 1519-1539): QRPPETPPPA[Gln1529Arg]MPSAGGAQKP

ClinVar aggregate classification (germline): Uncertain significance (1 of 4 stars; one submission).

Conditions:
Fanconi anemia (FA). Also called: Fanconi's anemia. Identifiers: Orphanet 84, MedGen C0015625, MeSH D005199, MONDO:0019391.

gnomAD v4.1: 1 of 1,614,176 alleles (0.000062%); no homozygotes.

Submission:

Labcorp Genetics (formerly Invitae), Labcorp
Classification: Uncertain significance for Fanconi anemia. Last evaluated: 2020-11-26. Review status: criteria provided, single submitter. Criteria: Invitae Variant Classification Sherloc (09022015). Collection method: clinical testing. Allele origin: germline.
Comment: In summary, the available evidence is currently insufficient to determine the role of this variant in disease. Therefore, it has been classified as a Variant of Uncertain Significance. Algorithms developed to predict the effect of missense changes on protein structure and function are either unavailable or do not agree on the potential impact of this missense change (SIFT: "Deleterious"; PolyPhen-2: "Benign"; Align-GVGD: "Class C0"). This variant has not been reported in the literature in individuals with SLX4-related conditions. This variant is not present in population databases (ExAC no frequency). This sequence change replaces glutamine with arginine at codon 1529 of the SLX4 protein (p.Gln1529Arg). The glutamine residue is highly conserved and there is a small physicochemical difference between glutamine and arginine.